The following is an entry in ClinVar:

NM_002764.4(PRPS1):c.688T>C (p.Cys230Arg)

Gene: PRPS1 (phosphoribosyl pyrophosphate synthetase 1; plus strand). Cytogenetic location: Xq22.3.
Variant type: single nucleotide variant.
Coding change: c.688T>C on transcript NM_002764.4 (MANE Select); coding-DNA position 688, T replaced by C.
Protein change: p.Cys230Arg; replaces cysteine 230 with arginine.
Molecular consequence: missense variant.
Genome position (GRCh38, 1-based): chrX:107,645,334, T>C. VCF-style: chrX-107645334-T-C. GRCh37 (hg19) VCF-style: chrX-106888564-T-C.
Other names: c.76T>C, p.Cys26Arg (NM_001204402.2); short protein forms C230R, C26R.
Identifiers: ClinVar variation 2750312 (VCV002750312.3), dbSNP rs2521346050, ClinGen allele CA413812958.

ClinVar aggregate classification (germline): Uncertain significance (1 of 4 stars; one submission).

Conditions:
Charcot-Marie-Tooth Neuropathy X. Identifiers: MedGen CN118851.

Submission:

Labcorp Genetics (formerly Invitae), Labcorp
Classification: Uncertain significance for Charcot-Marie-Tooth Neuropathy X. Last evaluated: 2023-08-09. Review status: criteria provided, single submitter. Criteria: Invitae Variant Classification Sherloc (09022015). Collection method: clinical testing. Allele origin: germline.
Comment: In summary, the available evidence is currently insufficient to determine the role of this variant in disease. Therefore, it has been classified as a Variant of Uncertain Significance. Advanced modeling of protein sequence and biophysical properties (such as structural, functional, and spatial information, amino acid conservation, physicochemical variation, residue mobility, and thermodynamic stability) performed at Invitae indicates that this missense variant is not expected to disrupt PRPS1 protein function. This variant has not been reported in the literature in individuals affected with PRPS1-related conditions. This variant is not present in population databases (gnomAD no frequency). This sequence change replaces cysteine, which is neutral and slightly polar, with arginine, which is basic and polar, at codon 230 of the PRPS1 protein (p.Cys230Arg).